The following is an entry in ClinVar:

ClinVar aggregate classification (germline): Uncertain significance. Review status: criteria provided, multiple submitters, no conflicts (2 of 4 stars). 3 submissions from 3 submitters: Uncertain significance (3). Last evaluated 2025-12-16.

Conditions:
Biotin-responsive basal ganglia disease (BTBGD). Also called: Thiamine metabolism dysfunction syndrome type 2; Thiamine metabolism dysfunction syndrome 2 (biotin- or thiamine-responsive encephalopathy type 2); thiamine-responsive encephalopathy; Thiamine Transporter-2 Deficiency; THIAMINE METABOLISM DYSFUNCTION SYNDROME 2 (BIOTIN- AND THIAMINE-RESPONSIVE TYPE). Identifiers: Orphanet 199348, Orphanet 65284, MedGen C1843807, MONDO:0011841, OMIM 607483.

Allele frequency attached by ClinVar (database versions not stated): gnomAD exomes 0.00001 and 0.00002; ExAC 0.00002; gnomAD 0.00007 and 0.00008; TOPMed 0.00019; 1000 Genomes Project 30x 0.00031; 1000 Genomes Project 0.00040.
gnomAD v4.1: 23 of 1,614,198 alleles (0.0014%); highest among the groups gnomAD compares: Admixed American, 0.03%; no homozygotes.

Submissions (3):

Mayo Clinic Laboratories, Mayo Clinic
Classification: Uncertain significance. Last evaluated: 2025-12-16. Review status: criteria provided, single submitter. Criteria: ACMG Guidelines, 2015. Collection method: clinical testing. Allele origin: germline. Observed: 1 variant allele.
Comment: PM2_supporting

Labcorp Genetics (formerly Invitae), Labcorp
Classification: Uncertain significance for Biotin-responsive basal ganglia disease. Last evaluated: 2022-07-30. Review status: criteria provided, single submitter. Criteria: Invitae Variant Classification Sherloc (09022015). Collection method: clinical testing. Allele origin: germline.
Comment: This sequence change replaces tyrosine, which is neutral and polar, with cysteine, which is neutral and slightly polar, at codon 305 of the SLC19A3 protein (p.Tyr305Cys). This variant is present in population databases (rs189540672, gnomAD 0.009%). This variant has not been reported in the literature in individuals affected with SLC19A3-related conditions. ClinVar contains an entry for this variant (Variation ID: 464955). Algorithms developed to predict the effect of missense changes on protein structure and function (SIFT, PolyPhen-2, Align-GVGD) all suggest that this variant is likely to be tolerated. In summary, the available evidence is currently insufficient to determine the role of this variant in disease. Therefore, it has been classified as a Variant of Uncertain Significance.

GeneDx
Classification: Uncertain significance. Last evaluated: 2021-12-22. Review status: criteria provided, single submitter. Criteria: GeneDx Variant Classification Process June 2021. Collection method: clinical testing. Allele origin: germline. Affected: yes.
Comment: Not observed at a significant frequency in large population cohorts (Lek et al., 2016); In silico analysis supports that this missense variant has a deleterious effect on protein structure/function; Has not been previously published as pathogenic or benign to our knowledge

NM_025243.4(SLC19A3):c.914A>G (p.Tyr305Cys)

Gene: SLC19A3 (solute carrier family 19 member 3; minus strand). Cytogenetic location: 2q36.3.
Variant type: single nucleotide variant.
Coding change: c.914A>G on transcript NM_025243.4 (MANE Select); coding-DNA position 914, A replaced by G.
Protein change: p.Tyr305Cys; replaces tyrosine 305 with cysteine.
Molecular consequence: missense variant.
Genome position (GRCh38, 1-based): chr2:227,698,801, T>C on the plus strand (A>G on the coding strand, the complement: SLC19A3 is on the minus strand). VCF-style: chr2-227698801-T-C. GRCh37 (hg19) VCF-style: chr2-228563517-T-C.
Other names: p.Tyr305Cys; short protein forms Y305C.
Identifiers: ClinVar variation 464955 (VCV000464955.8), dbSNP rs189540672, ClinGen allele CA2149217.